The following is an entry in ClinVar:

NM_001042492.3(NF1):c.2033del (p.Pro678fs)

Gene: NF1 (neurofibromin 1; plus strand). Cytogenetic location: 17q11.2.
Variant type: Deletion.
Coding change: c.2033del on transcript NM_001042492.3 (MANE Select); coding-DNA position 2033, one base deleted (C; older notation c.2033delC).
Protein change: p.Pro678fs; shifts the reading frame from proline 678.
Molecular consequence: frameshift variant.
Genome position (GRCh38, 1-based): chr17:31,226,466, C deleted; the last of 7 consecutive C bases (chr17:31,226,460-31,226,466); deleting any one gives the same sequence. VCF-style (leftmost placement, unchanged base first): chr17-31226459-AC-A. GRCh37 (hg19) VCF-style: chr17-29553477-AC-A.
Other names: c.2033delC (NM_001042492.3, NM_000267.3); c.2033delC, p.Pro678Argfs (NM_000267.4); short protein forms P678fs.
Identifiers: ClinVar variation 428991 (VCV000428991.27), dbSNP rs587781807, ClinGen allele CA8485910.
Genomic context (GRCh38, chr17:31,226,459, plus strand): 5'-AGTTGCAAATATATGTCTTCCACCCTTGACTCTCAGGATAGTGCAGCAGGATGCAGCGGA[AC>A]CCCCCCGATTTGCCGACAAGCCCAGACCAAACTAGAAGTGGCCCTGTACATGTTTCTGTG-3'

ClinVar aggregate classification (germline): Pathogenic. Review status: criteria provided, multiple submitters, no conflicts (2 of 4 stars). 15 submissions from 15 submitters: Pathogenic (13). 2 of the submissions do not count toward it. Last evaluated 2026-06-04.
ClinVar aggregate classification (somatic clinical impact): Tier I - Strong (1 of 4 stars; one submission).

Conditions:
Juvenile myelomonocytic leukemia (JMML). Also called: LEUKEMIA, JUVENILE MYELOMONOCYTIC, SOMATIC. Identifiers: Orphanet 86834, MedGen C0349639, MONDO:0011908, OMIM 607785, HP:0012209.
NF1-related disorder. Also called: NF1-related condition. Identifiers: MedGen CN379171.
Neurofibromatosis, type 1 (NF1). Also called: Neurofibromatosis, type I; NEUROFIBROMATOSIS, TYPE I, SOMATIC; VON RECKLINGHAUSEN DISEASE; Peripheral type neurofibromatosis. Identifiers: Orphanet 636, MedGen C0027831, MONDO:0018975, OMIM 162200. Disease mechanism: loss of function.
Hereditary cancer-predisposing syndrome. Also called: Tumor predisposition; Hereditary Cancer Syndrome; Hereditary neoplastic syndrome; Neoplastic Syndromes, Hereditary. Identifiers: Orphanet 140162, MedGen C0027672, MeSH D009386, MONDO:0015356.
Embryonal rhabdomyosarcoma (ERMS). Also called: Botryoid rhabdomyosarcoma (type of ERMS); Spindle cell rhabdomyosarcomas (type of ERMS). Identifiers: Orphanet 99757, MedGen C0206656, MONDO:0009993, HP:0006743.

Submissions (16):

Myriad Genetics, Inc.
Classification: Pathogenic for Neurofibromatosis, type 1. Last evaluated: 2026-06-04. Review status: criteria provided, single submitter. Criteria: Myriad Autosomal Dominant, Autosomal Recessive and X-Linked Classification Criteria (2023). Collection method: clinical testing. Allele origin: unknown.
Comment: This variant is considered pathogenic. This variant creates a frameshift predicted to result in premature protein truncation.

Dasa
Classification: Pathogenic. Last evaluated: 2026-01-22. Review status: criteria provided, single submitter. Criteria: DASA Assertion Criteria. Collection method: clinical testing. Allele origin: germline.
Comment: NM_001042492.3(NF1):c.2033delC (p.Pro678fs) is a frameshift variant in NF1 predicted to alter the reading frame and introduce a premature termination codon and is predicted to result in an absent or altered protein product. Loss of function is an established disease mechanism for NF1 (PMID: 1757093; PMID: 1302608; PMID: 34427956). This variant has been reported in individuals with NF1-related disorders. Also, this variant is rare in population databases. Based on the currently available evidence, this variant is classified as pathogenic.

Labcorp Genetics (formerly Invitae), Labcorp
Classification: Pathogenic for Neurofibromatosis, type 1. Last evaluated: 2025-11-11. Review status: criteria provided, single submitter. Criteria: Invitae Variant Classification Sherloc (09022015). Collection method: clinical testing. Allele origin: germline.
Comment: This sequence change creates a premature translational stop signal (p.Pro678Argfs*10) in the NF1 gene. It is expected to result in an absent or disrupted protein product. Loss-of-function variants in NF1 are known to be pathogenic (PMID: 10712197, 23913538). This variant is not present in population databases (gnomAD no frequency). This variant has not been reported in the literature in individuals affected with NF1-related conditions. Invitae Evidence Modeling of clinical and family history, age, sex, and reported ancestry of multiple individuals with this NF1 variant has been performed. This variant is expected to be pathogenic with a positive predictive value of at least 99%. This is a validated machine learning model that incorporates the clinical features of 1,785,918 individuals referred to our laboratory for NF1 testing. ClinVar contains an entry for this variant (Variation ID: 428991). For these reasons, this variant has been classified as Pathogenic.

Clinical Genetics Laboratory, Skane University Hospital Lund
Classification: Pathogenic for Neurofibromatosis, type 1. Last evaluated: 2024-12-03. Review status: criteria provided, single submitter. Criteria: ACMG Guidelines, 2015. Collection method: clinical testing. Allele origin: germline. Inheritance: Autosomal dominant inheritance. Affected: yes.
Comment: ACMG criteria: PVS1, PS4_moderate, PM6

Swedish National ChiCaP Initative, Genomic Medicine Sweden
Classification: Pathogenic for NF1-related disorder. Last evaluated: 2024-05-01. Review status: criteria provided, single submitter. Criteria: ACMG Guidelines, 2015. Collection method: clinical testing. Allele origin: germline. Affected: yes.

ARUP Laboratories, Molecular Genetics and Genomics, ARUP Laboratories
Classification: Pathogenic. Last evaluated: 2024-04-01. Review status: criteria provided, single submitter. Criteria: ARUP Molecular Germline Variant Investigation Process 2024. Collection method: clinical testing. Allele origin: germline.
Comment: The NF1 c.2033del; p.Pro678ArgfsTer10 variant (rs587781807, ClinVar ID: 428991) is reported in the literature in two individuals affected with neurofibromatosis type 1 (Fahsold 2000, Wimmer 2007), one individual with pancreatic cancer (Hu 2018), and one individual with breast cancer (Palmer 2020). This variant is also absent from the Genome Aggregation Database (v2.1.1), indicating it is not a common polymorphism. This variant causes a frameshift by deleting a single nucleotide, so it is predicted to result in a truncated protein or mRNA subject to nonsense-mediated decay. Based on available information, this variant is considered to be pathogenic. References: Fahsold R et al. Minor lesion mutational spectrum of the entire NF1 gene does not explain its high mutability but points to a functional domain upstream of the GAP-related domain. Am J Hum Genet. 2000 Mar;66(3):790-818. PMID: 10712197. Hu C et al. Association Between Inherited Germline Mutations in Cancer Predisposition Genes and Risk of Pancreatic Cancer. JAMA. 2018 Jun 19;319(23):2401-2409. PMID: 29922827. Palmer JR et al. Contribution of Germline Predisposition Gene Mutations to Breast Cancer Risk in African American Women. J Natl Cancer Inst. 2020 Dec 14;112(12):1213-1221. PMID: 32427313. Wimmer K et al. Extensive in silico analysis of NF1 splicing defects uncovers determinants for splicing outcome upon 5' splice-site disruption. Hum Mutat. 2007 Jun;28(6):599-612. PMID: 17311297.

Athena Diagnostics
Classification: Pathogenic. Last evaluated: 2024-03-28. Review status: criteria provided, single submitter. Criteria: Athena Diagnostics Criteria. Collection method: clinical testing. Allele origin: unknown.
Comment: This variant is expected to result in the loss of a functional protein. This variant has been identified in at least one individual with clinical features associated with NF1. This variant has not been reported in large, multi-ethnic general populations.

Centre of Medical Genetics, University Hospital Muenster
Classification: Pathogenic. Last evaluated: 2023-11-24. Review status: criteria provided, single submitter. Criteria: ACMG Guidelines, 2015. Collection method: clinical testing. Allele origin: unknown. Affected: yes. Observed: 1 variant allele.
Comment: ACMG categories: PVS1,PM1,PP5

Baylor Genetics
Classification: Pathogenic for Juvenile myelomonocytic leukemia. Last evaluated: 2023-07-26. Review status: criteria provided, single submitter. Criteria: ACMG Guidelines, 2015. Collection method: clinical testing. Allele origin: unknown.

Blueprint Genetics
Classification: Pathogenic for NF1-related disorders. Last evaluated: 2022-12-22. Review status: criteria provided, single submitter. Criteria: ACMG Guidelines, 2015. Collection method: clinical testing. Allele origin: germline. Affected: yes. Observed: 1 variant allele.

Institute for Genomic Medicine (IGM) Clinical Laboratory, Nationwide Children's Hospital
Classification: Tier I - Strong for Embryonal rhabdomyosarcoma. Assertion type: diagnostic. Clinical significance: supports diagnosis. Last evaluated: 2022-12-15. Review status: criteria provided, single submitter. Criteria: AMP/ASCO/CAP Guidelines, 2017. Collection method: clinical testing. Allele origin: somatic. Affected: yes.
Comment: Variant has Tier I (strong) clinical significance as a diagnostic inclusion criterion in embryonal rhabdomyosarcoma, based on the following evidence: 1) Documented in one or more cancer databases (e.g., St. Jude Pecan, COSMIC, CIViC, OncoKB). 2) Appears in one or more well-established professional guidelines (e.g., World Health Organization [WHO]; National Comprehensive Cancer Network [NCCN]) as providing diagnostic, prognostic, or therapeutic information. 3) Information in the literature supports potential biologic effect of variant. 4) Diagnostic for a specific tumor type/classification based on well-powered studies with expert-level consensus (Evidence Level B; PMIDs: 34166060, 24436047, 26138366, 21412928).

GeneDx
Classification: Pathogenic. Last evaluated: 2022-07-25. Review status: criteria provided, single submitter. Criteria: GeneDx Variant Classification Process June 2021. Collection method: clinical testing. Allele origin: germline. Affected: yes.
Comment: Frameshift variant predicted to result in protein truncation or nonsense mediated decay in a gene for which loss-of-function is a known mechanism of disease; Not observed at significant frequency in large population cohorts (gnomAD); Observed in an individual with breast cancer (Palmer et al., 2020); This variant is associated with the following publications: (PMID: 25074460, 14722917, 10712197, 17311297, 22155606, 12522551, 30612635, 32427313)

Genome-Nilou Lab
Classification: Pathogenic for Neurofibromatosis, type 1. Last evaluated: 2022-03-15. Review status: criteria provided, single submitter. Criteria: ACMG Guidelines, 2015. Collection method: clinical testing. Allele origin: germline. Affected: no.

Ambry Genetics
Classification: Pathogenic for Hereditary cancer-predisposing syndrome. Last evaluated: 2015-10-23. Review status: criteria provided, single submitter. Criteria: Ambry Autosomal Dominant and X-Linked criteria (10/2015). Collection method: clinical testing. Allele origin: germline. Observed: 1 variant allele.
Comment: Thec.2033delCpathogenic mutation, located in codingexon18 of theNF1gene, results from a deletion of one nucleotide at position 2033, causing a translationalframeshiftwith a predicted alternate stopcodon. This alteration has previously been identified in individuals with clinical features consistent with neurofibromatosis type 1 (NF1) (Fashold et al. Am. J. Hum. Genet. 2000; 66(3):790-818; Wimmer et al.Hum. Mutat. 2007; 28(6):599-612; Pasmant et al. Eur. J. Hum. Genet. 2014; 23(5):596-601 ).In addition to the clinical data presented in the literature, since premature stop codons are typically deleterious in nature, this alterationis interpreted as a disease-causing mutation (ACMGRecommendations for Standards for Interpretation and Reporting of Sequence Variations. Revision 2007. Genet Med. 2008;10:294).

Clinical Genetics DNA and cytogenetics Diagnostics Lab, Erasmus MC, Erasmus Medical Center
Classification: Pathogenic. Review status: no assertion criteria provided. Collection method: clinical testing. Allele origin: germline. Affected: yes. Study: VKGL Data-share Consensus. Not counted in ClinVar's aggregate classification.

Joint Genome Diagnostic Labs from Nijmegen and Maastricht, Radboudumc and MUMC+
Classification: Pathogenic. Review status: no assertion criteria provided. Collection method: clinical testing. Allele origin: germline. Affected: yes. Study: VKGL Data-share Consensus. Not counted in ClinVar's aggregate classification.

Literature cited by the submitters: PubMed 17311297 (cited by Dasa and Athena Diagnostics); PubMed 1757093 (cited by Dasa); PubMed 1302608 (cited by Dasa); PubMed 34427956 (cited by Dasa); PubMed 10712197 (cited by Labcorp Genetics (formerly Invitae), Labcorp and Athena Diagnostics); PubMed 23913538 (cited by Labcorp Genetics (formerly Invitae), Labcorp); PubMed 14722917 (cited by Athena Diagnostics); PubMed 22155606 (cited by Athena Diagnostics); PubMed 12522551 (cited by Athena Diagnostics); PubMed 30612635 (cited by Athena Diagnostics); PubMed 32427313 (cited by Athena Diagnostics); PubMed 34166060 (cited by Institute for Genomic Medicine (IGM) Clinical Laboratory, Nationwide Children's Hospital); PubMed 24436047 (cited by Institute for Genomic Medicine (IGM) Clinical Laboratory, Nationwide Children's Hospital); PubMed 26138366 (cited by Institute for Genomic Medicine (IGM) Clinical Laboratory, Nationwide Children's Hospital); PubMed 21412928 (cited by Institute for Genomic Medicine (IGM) Clinical Laboratory, Nationwide Children's Hospital).